The following is an entry in ClinVar:

ClinVar aggregate classification (germline): Uncertain significance (1 of 4 stars; one submission).

Submission:

Labcorp Genetics (formerly Invitae), Labcorp
Classification: Uncertain significance. Last evaluated: 2024-01-01. Review status: criteria provided, single submitter. Criteria: Invitae Variant Classification Sherloc (09022015). Collection method: clinical testing. Allele origin: germline.
Comment: This sequence change replaces lysine, which is basic and polar, with arginine, which is basic and polar, at codon 39 of the ITM2B protein (p.Lys39Arg). This variant is not present in population databases (gnomAD no frequency). This variant has not been reported in the literature in individuals affected with ITM2B-related conditions. An algorithm developed to predict the effect of missense changes on protein structure and function (PolyPhen-2) suggests that this variant is likely to be tolerated. Algorithms developed to predict the effect of sequence changes on RNA splicing suggest that this variant may disrupt the consensus splice site. In summary, the available evidence is currently insufficient to determine the role of this variant in disease. Therefore, it has been classified as a Variant of Uncertain Significance.

NM_021999.5(ITM2B):c.116A>G (p.Lys39Arg)

Genes: ITM2B (integral membrane protein 2B; plus strand), LOC130009752 (ATAC-STARR-seq lymphoblastoid silent region 5332; plus strand). Cytogenetic location: 13q14.2.
Variant type: single nucleotide variant.
Coding change: c.116A>G on transcript NM_021999.5 (MANE Select); coding-DNA position 116, A replaced by G.
Protein change: p.Lys39Arg; replaces lysine 39 with arginine.
Molecular consequence: missense variant.
Genome position (GRCh38, 1-based): chr13:48,233,476, A>G. VCF-style: chr13-48233476-A-G. GRCh37 (hg19) VCF-style: chr13-48807612-A-G.
Other names: short protein forms K39R.
Identifiers: ClinVar variation 2862936 (VCV002862936.3), dbSNP rs2542037721, ClinGen allele CA388250115.